The following is an entry in ClinVar:

ClinVar aggregate classification (germline): Conflicting classifications of pathogenicity. Review status: criteria provided, conflicting classifications (1 of 4 stars). 3 submissions from 3 submitters: Uncertain significance (1); Likely benign (2). Last evaluated 2026-09-09.

Conditions:
ABCB11-related disorder. Also called: ABCB11-related condition.

Allele frequency attached by ClinVar (database versions not stated): TOPMed below 0.00001; gnomAD 0.00001; gnomAD exomes 0.00001 and 0.00003; ExAC 0.00003; 1000 Genomes Project 30x 0.00016; 1000 Genomes Project 0.00020.
gnomAD v4.1: 13 of 1,612,884 alleles (0.00081%); highest among the groups gnomAD compares: East Asian, 0.013%; no homozygotes.

Submissions (3):

PreventionGenetics, part of Exact Sciences
Classification: Likely benign for ABCB11-related condition. Last evaluated: 2026-09-09. Review status: criteria provided, single submitter. Criteria: ACMG Guidelines, 2015. Collection method: clinical testing. Allele origin: germline.
Comment: This variant is classified as likely benign based on ACMG/AMP sequence variant interpretation guidelines (Richards et al. 2015 PMID: 25741868, with internal and published modifications).

Labcorp Genetics (formerly Invitae), Labcorp
Classification: Likely benign. Last evaluated: 2026-01-31. Review status: criteria provided, single submitter. Criteria: Invitae Variant Classification Sherloc (09022015). Collection method: clinical testing. Allele origin: germline.

Eurofins Ntd Llc (ga)
Classification: Uncertain significance. Last evaluated: 2016-07-14. Review status: criteria provided, single submitter. Criteria: EGL Classification Definitions 2015. Collection method: clinical testing. Allele origin: germline. Observed: 1 variant allele, 1 heterozygote.

NM_003742.4(ABCB11):c.2523G>A (p.Gly841=)

Gene: ABCB11 (ATP binding cassette subfamily B member 11; minus strand). Cytogenetic location: 2q31.1.
Variant type: single nucleotide variant.
Coding change: c.2523G>A on transcript NM_003742.4 (MANE Select); coding-DNA position 2523, G replaced by A.
Protein change: p.Gly841=; no amino-acid change (glycine 841 retained).
Molecular consequence: synonymous variant.
Genome position (GRCh38, 1-based): chr2:168,944,692, C>T on the plus strand (G>A on the coding strand, the complement: ABCB11 is on the minus strand). VCF-style: chr2-168944692-C-T. GRCh37 (hg19) VCF-style: chr2-169801202-C-T.
Other names: c.2523G>A, p.Gly841= (LRG_1199t1).
Identifiers: ClinVar variation 289528 (VCV000289528.17), dbSNP rs367874361, ClinGen allele CA1951255.